The following is an entry in ClinVar:

ClinVar aggregate classification (germline): Uncertain significance. Review status: criteria provided, multiple submitters, no conflicts (2 of 4 stars). 2 submissions from 2 submitters: Uncertain significance (2). Last evaluated 2023-02-27.

Conditions:
Renal cell carcinoma. Identifiers: Orphanet 217071, MedGen C0007134, MeSH D002292, MONDO:0005086, HP:0005584.
Hereditary cancer-predisposing syndrome. Also called: Neoplastic Syndromes, Hereditary; Hereditary neoplastic syndrome; Tumor predisposition; Hereditary Cancer Syndrome. Identifiers: Orphanet 140162, MedGen C0027672, MeSH D009386, MONDO:0015356.

Submissions (2):

Ambry Genetics
Classification: Uncertain significance for Hereditary cancer-predisposing syndrome. Last evaluated: 2023-02-27. Review status: criteria provided, single submitter. Criteria: Ambry Variant Classification Scheme 2023. Collection method: clinical testing. Allele origin: germline.
Comment: The p.S934Y variant (also known as c.2801C>A), located in coding exon 12 of the MET gene, results from a C to A substitution at nucleotide position 2801. The serine at codon 934 is replaced by tyrosine, an amino acid with dissimilar properties. This amino acid position is conserved. In addition, this alteration is predicted to be tolerated by in silico analysis. Since supporting evidence is limited at this time, the clinical significance of this alteration remains unclear.

Labcorp Genetics (formerly Invitae), Labcorp
Classification: Uncertain significance for Renal cell carcinoma. Last evaluated: 2020-12-02. Review status: criteria provided, single submitter. Criteria: Invitae Variant Classification Sherloc (09022015). Collection method: clinical testing. Allele origin: germline.
Comment: In summary, the available evidence is currently insufficient to determine the role of this variant in disease. Therefore, it has been classified as a Variant of Uncertain Significance. Algorithms developed to predict the effect of missense changes on protein structure and function are either unavailable or do not agree on the potential impact of this missense change (SIFT: "Deleterious"; PolyPhen-2: "Possibly Damaging"; Align-GVGD: "Class C0"). This variant has not been reported in the literature in individuals with MET-related conditions. This variant is not present in population databases (ExAC no frequency). This sequence change replaces serine with tyrosine at codon 934 of the MET protein (p.Ser934Tyr). The serine residue is highly conserved and there is a large physicochemical difference between serine and tyrosine.

NM_000245.4(MET):c.2747C>A (p.Ser916Tyr)

Gene: MET (MET proto-oncogene, receptor tyrosine kinase; plus strand). Cytogenetic location: 7q31.2.
Variant type: single nucleotide variant.
Coding change: c.2747C>A on transcript NM_000245.4 (MANE Select); coding-DNA position 2747, C replaced by A.
Protein change: p.Ser916Tyr; replaces serine 916 with tyrosine.
Molecular consequence: missense variant.
Genome position (GRCh38, 1-based): chr7:116,771,514, C>A. VCF-style: chr7-116771514-C-A. GRCh37 (hg19) VCF-style: chr7-116411568-C-A.
Other names: c.2801C>A, p.Ser934Tyr (NM_001127500.3); c.1457C>A, p.Ser486Tyr (NM_001324402.2); c.2801C>A (NM_001127500.1); short protein forms S486Y, S916Y, S934Y.
Identifiers: ClinVar variation 1394253 (VCV001394253.9), dbSNP rs1288860579, ClinGen allele CA368986252.